The following is an entry in ClinVar:

NM_003982.4(SLC7A7):c.571A>G (p.Lys191Glu)

Gene: SLC7A7 (solute carrier family 7 member 7; minus strand). Cytogenetic location: 14q11.2.
Variant type: single nucleotide variant.
Coding change: c.571A>G on transcript NM_003982.4 (MANE Select); coding-DNA position 571, A replaced by G.
Protein change: p.Lys191Glu; replaces lysine 191 with glutamic acid.
Molecular consequence: missense variant.
Genome position (GRCh38, 1-based): chr14:22,779,980, T>C on the plus strand (A>G on the coding strand, the complement: SLC7A7 is on the minus strand). VCF-style: chr14-22779980-T-C. GRCh37 (hg19) VCF-style: chr14-23249189-T-C.
Other names: c.571A>G, p.Lys191Glu (NM_001126105.3, NM_001126106.4); c.571A>G (NM_001126106.2); short protein forms K191E.
Identifiers: ClinVar variation 56372 (VCV000056372.3), dbSNP rs386833820, ClinGen allele CA263829.

ClinVar aggregate classification (germline): Uncertain significance. Review status: criteria provided, single submitter (1 of 4 stars). 2 submissions from 2 submitters: Uncertain significance (1). 1 of the submissions does not count toward it. Last evaluated 2023-03-14.

Conditions:
Lysinuric protein intolerance (LPI). Identifiers: Orphanet 470, MedGen C0268647, MONDO:0009109, OMIM 222700.

Allele frequency attached by ClinVar (database versions not stated): gnomAD exomes below 0.00001; TOPMed below 0.00001; ESP Exome Variant Server 0.00008.
gnomAD v4.1: 2 of 1,614,160 alleles (0.00012%); highest among the groups gnomAD compares: Non-Finnish European, 0.00017%; no homozygotes.

Submissions (2):

Women's Health and Genetics/Laboratory Corporation of America, LabCorp
Classification: Uncertain significance. Last evaluated: 2023-03-14. Review status: criteria provided, single submitter. Criteria: LabCorp Variant Classification Summary - May 2015. Collection method: clinical testing. Allele origin: germline.
Comment: Variant summary: SLC7A7 c.571A>G (p.Lys191Glu) results in a conservative amino acid change in the encoded protein sequence. Four of five in-silico tools predict a damaging effect of the variant on protein function. The variant was absent in 251484 control chromosomes (gnomAD). The available data on variant occurrences in the general population are insufficient to allow any conclusion about variant significance. c.571A>G has been reported in the literature in the compound heterozygous state in an individual affected with Lysinuric Protein Intolerance. These data do not allow any strong conclusion about variant significance. To our knowledge, no experimental evidence demonstrating an impact on protein function has been reported. No clinical diagnostic laboratories have submitted clinical-significance assessments for this variant to ClinVar after 2014. Based on the evidence outlined above, the variant was classified as uncertain significance.

Juha Muilu Group; Institute for Molecular Medicine Finland (FIMM)
Classification: Likely pathogenic for Lysinuric protein intolerance. Review status: no assertion criteria provided. Collection method: not provided. Allele origin: unknown. Not counted in ClinVar's aggregate classification.
Comment: FinDis database variant: This variant was not found or characterized by our laboratory, data were collected from public sources: see reference
ClinVar note: Converted during submission from probable-pathogenic to Likely pathogenic.

Literature cited by the submitters: PubMed 17764084 (cited by Women's Health and Genetics/Laboratory Corporation of America, LabCorp).